The following is an entry in ClinVar:

NM_000458.4(HNF1B):c.56C>T (p.Ser19Phe)

Gene: HNF1B (HNF1 homeobox B; minus strand). Cytogenetic location: 17q12.
Variant type: single nucleotide variant.
Coding change: c.56C>T on transcript NM_000458.4 (MANE Select); coding-DNA position 56, C replaced by T.
Protein change: p.Ser19Phe; replaces serine 19 with phenylalanine.
Molecular consequence: missense variant.
Genome position (GRCh38, 1-based): chr17:37,744,829, G>A on the plus strand (C>T on the coding strand, the complement: HNF1B is on the minus strand). VCF-style: chr17-37744829-G-A. GRCh37 (hg19) VCF-style: chr17-36104820-G-A.
Other names: c.56C>T (NM_000458.3); c.56C>T, p.Ser19Phe (NM_001411100.1, NM_001165923.4, NM_001304286.2); short protein forms S19F.
Identifiers: ClinVar variation 3372361 (VCV003372361.2).

ClinVar aggregate classification (germline): Uncertain significance. Review status: criteria provided, multiple submitters, no conflicts (2 of 4 stars). 2 submissions from 2 submitters: Uncertain significance (2). Last evaluated 2026-07-20.

Conditions:
HNF1B-related disorder. Also called: HNF1B-related condition; HNF1B-related disorders.

Submissions (2):

PreventionGenetics, part of Exact Sciences
Classification: Uncertain significance for HNF1B-related condition. Last evaluated: 2026-07-20. Review status: criteria provided, single submitter. Criteria: ACMG Guidelines, 2015. Collection method: clinical testing. Allele origin: germline.
Comment: The HNF1B c.56C>T variant is predicted to result in the amino acid substitution p.Ser19Phe. This variant has been reported in an individual with maturity-onset diabetes of the young (MODY; Pande et al. 2024. PubMed ID: 39676784). An alternate missense change at the same amino acid position, c.56C>T (p.Ser19Leu), has also been reported in an individual with MODY (Colclough et al. 2022. PubMed ID: 34789499). This variant is reported in 0.0098% of alleles in individuals of South Asian descent in gnomAD. Although we suspect that this variant may be pathogenic, at this time, the clinical significance of this variant is uncertain due to the absence of conclusive functional and genetic evidence.

GeneDx
Classification: Uncertain significance. Last evaluated: 2024-04-10. Review status: criteria provided, single submitter. Criteria: GeneDx Variant Classification Process June 2021. Collection method: clinical testing. Allele origin: germline. Affected: yes.
Comment: In silico analysis supports that this missense variant has a deleterious effect on protein structure/function; Has not been previously published as pathogenic or benign to our knowledge